The following is an entry in ClinVar:

ClinVar aggregate classification (germline): Benign/Likely benign. Review status: criteria provided, multiple submitters, no conflicts (2 of 4 stars). 3 submissions from 3 submitters: Benign (1); Likely benign (1). 1 of the submissions does not count toward it. Last evaluated 2025-09-16.

Conditions:
EIF2AK4-related disorder. Also called: EIF2AK4-related condition.
Familial pulmonary capillary hemangiomatosis (PVOD2). Also called: Pulmonary venoocclusive disease 2; Pulmonary venoocclusive disease 2, autosomal recessive. Identifiers: Orphanet 199241, MedGen C0340848, MONDO:0009329, OMIM 234810.

Allele frequency attached by ClinVar (database versions not stated): gnomAD exomes 0.00009 and 0.00024; ExAC 0.00029; gnomAD 0.00093 and 0.00089; TOPMed 0.00111; ESP Exome Variant Server 0.00131; 1000 Genomes Project 0.00160; 1000 Genomes Project 30x 0.00172.
gnomAD v4.1: 280 of 1,613,724 alleles (0.017%); highest among the groups gnomAD compares: African/African-American, 0.32%; no homozygotes.

Submissions (3):

Labcorp Genetics (formerly Invitae), Labcorp
Classification: Benign. Last evaluated: 2025-09-16. Review status: criteria provided, single submitter. Criteria: Invitae Variant Classification Sherloc (09022015). Collection method: clinical testing. Allele origin: germline.

ARUP Laboratories, Molecular Genetics and Genomics, ARUP Laboratories
Classification: Likely benign for Familial pulmonary capillary hemangiomatosis. Last evaluated: 2019-03-14. Review status: criteria provided, single submitter. Criteria: ARUP Molecular Germline Variant Investigation Process. Collection method: clinical testing. Allele origin: germline.

PreventionGenetics, part of Exact Sciences
Classification: Likely benign for EIF2AK4-related condition. Last evaluated: 2019-07-16. Review status: no assertion criteria provided. Collection method: clinical testing. Allele origin: germline. Not counted in ClinVar's aggregate classification.
Comment: This variant is classified as likely benign based on ACMG/AMP sequence variant interpretation guidelines (Richards et al. 2015 PMID: 25741868, with internal and published modifications).

NM_001013703.4(EIF2AK4):c.3129C>T (p.Ile1043=)

Gene: EIF2AK4 (eukaryotic translation initiation factor 2 alpha kinase 4; plus strand). Cytogenetic location: 15q15.1.
Variant type: single nucleotide variant.
Coding change: c.3129C>T on transcript NM_001013703.4 (MANE Select); coding-DNA position 3129, C replaced by T.
Protein change: p.Ile1043=; no amino-acid change (isoleucine 1043 retained).
Molecular consequence: synonymous variant.
Genome position (GRCh38, 1-based): chr15:40,001,194, C>T. VCF-style: chr15-40001194-C-T. GRCh37 (hg19) VCF-style: chr15-40293395-C-T.
Other names: c.3129C>T (NM_001013703.3).
Identifiers: ClinVar variation 811620 (VCV000811620.13), dbSNP rs148332808, ClinGen allele CA7474246.